The following is an entry in ClinVar:

ClinVar aggregate classification (germline): Likely benign. Review status: criteria provided, multiple submitters, no conflicts (2 of 4 stars). 3 submissions from 3 submitters: Likely benign (3). Last evaluated 2025-12-01.

Allele frequency attached by ClinVar (database versions not stated): gnomAD exomes 0.00010; ExAC 0.00019; 1000 Genomes Project 30x 0.00047; gnomAD 0.00056; TOPMed 0.00056; 1000 Genomes Project 0.00060; ESP Exome Variant Server 0.00062.
gnomAD v4.1: 235 of 1,614,208 alleles (0.015%); highest among the groups gnomAD compares: African/African-American, 0.15%; 2 homozygotes.

Submissions (4):

CeGaT Center for Human Genetics Tuebingen
Classification: Likely benign. Last evaluated: 2025-12-01. Review status: criteria provided, single submitter. Criteria: CeGaT Center For Human Genetics Tuebingen Variant Classification Criteria Version 2. Collection method: clinical testing. Allele origin: germline. Affected: yes. Observed: 2 variant alleles.
Comment: DHX37: BP4, BP7

Labcorp Genetics (formerly Invitae), Labcorp
Classification: Likely benign. Last evaluated: 2025-01-27. Review status: criteria provided, single submitter. Criteria: Invitae Variant Classification Sherloc (09022015). Collection method: clinical testing. Allele origin: germline.

Blueprint Genetics
Classification: Likely benign. Last evaluated: 2024-07-15. Review status: criteria provided, single submitter. Criteria: ACMG Guidelines, 2015. Collection method: clinical testing. Allele origin: germline.

Dr. Peter K. Rogan Lab, Western University
No classification provided (evidence only). Condition: Clear cell carcinoma of kidney. Review status: no classification provided. Collection method: in vitro. Allele origin: not applicable. Functional consequence: retained intron. Not counted in ClinVar's aggregate classification.

NM_032656.4(DHX37):c.1953C>T (p.Gly651=)

Gene: DHX37 (DEAH-box helicase 37; minus strand). Cytogenetic location: 12q24.31.
Variant type: single nucleotide variant.
Coding change: c.1953C>T on transcript NM_032656.4 (MANE Select); coding-DNA position 1953, C replaced by T.
Protein change: p.Gly651=; no amino-acid change (glycine 651 retained).
Molecular consequence: synonymous variant.
Genome position (GRCh38, 1-based): chr12:124,964,486, G>A on the plus strand (C>T on the coding strand, the complement: DHX37 is on the minus strand). VCF-style: chr12-124964486-G-A. GRCh37 (hg19) VCF-style: chr12-125449032-G-A.
Identifiers: ClinVar variation 2054907 (VCV002054907.30), dbSNP rs35913103, ClinGen allele CA6871821.